The following is an entry in ClinVar:

NM_003002.4(SDHD):c.138G>A (p.Val46=)

Gene: SDHD (succinate dehydrogenase complex subunit D; plus strand). Cytogenetic location: 11q23.1.
Variant type: single nucleotide variant.
Coding change: c.138G>A on transcript NM_003002.4 (MANE Select); coding-DNA position 138, G replaced by A.
Protein change: p.Val46=; no amino-acid change (valine 46 retained).
Molecular consequence: synonymous variant. On other transcripts: non-coding transcript variant (1), intron variant (1).
Genome position (GRCh38, 1-based): chr11:112,087,942, G>A. VCF-style: chr11-112087942-G-A. GRCh37 (hg19) VCF-style: chr11-111958666-G-A.
Other names: c.138G>A, p.Val46= (NM_001276503.2, NM_001276506.2); c.53-925G>A (NM_001276504.2).
Identifiers: ClinVar variation 1557992 (VCV001557992.11), dbSNP rs2135267384, ClinGen allele CA476789568.

ClinVar aggregate classification (germline): Benign/Likely benign. Review status: criteria provided, multiple submitters, no conflicts (2 of 4 stars). 3 submissions from 3 submitters: Benign (1); Likely benign (2). Last evaluated 2025-03-17.

Conditions:
Pheochromocytoma/paraganglioma syndrome 1. Also called: PARAGANGLIOMATA; Paragangliomas 1; PARAGANGLIOMAS, FAMILIAL NONCHROMAFFIN, 1; PGL 1; Paragangliomas familial 1; Glomus tumors familial 1. Identifiers: Orphanet 29072, MedGen C3494181, MONDO:0008192, OMIM 168000.
Hereditary cancer-predisposing syndrome. Also called: Neoplastic Syndromes, Hereditary; Hereditary Cancer Syndrome; Hereditary neoplastic syndrome; Tumor predisposition. Identifiers: Orphanet 140162, MedGen C0027672, MeSH D009386, MONDO:0015356.
Carney-Stratakis syndrome. Also called: PARAGANGLIOMA AND GASTROINTESTINAL STROMAL TUMOR. Identifiers: Orphanet 97286, MedGen C1847319, MONDO:0011740, OMIM 606864.
Paragangliomas with sensorineural hearing loss. Identifiers: MedGen C1868633.
Cowden syndrome 3 (CWS3). Identifiers: Orphanet 201, MedGen CN166604, MONDO:0014045.
Pheochromocytoma. Also called: MAX-Related Hereditary Paraganglioma-Pheochromocytoma Syndrome. Identifiers: Orphanet 29072, MedGen C0031511, MONDO:0008233, OMIM 171300, HP:0002666.

Submissions (3):

Myriad Genetics, Inc.
Classification: Benign for Pheochromocytoma/paraganglioma syndrome 1. Last evaluated: 2025-03-17. Review status: criteria provided, single submitter. Criteria: Myriad Autosomal Dominant, Autosomal Recessive and X-Linked Classification Criteria (2023). Collection method: clinical testing. Allele origin: unknown.
Comment: This variant is considered benign. This variant is a silent/synonymous amino acid change and it is not expected to impact splicing.

Labcorp Genetics (formerly Invitae), Labcorp
Classification: Likely benign for Carney-Stratakis syndrome; Paragangliomas with sensorineural hearing loss; Pheochromocytoma; Cowden syndrome 3. Last evaluated: 2024-07-26. Review status: criteria provided, single submitter. Criteria: Invitae Variant Classification Sherloc (09022015). Collection method: clinical testing. Allele origin: germline.

Ambry Genetics
Classification: Likely benign for Hereditary cancer-predisposing syndrome. Last evaluated: 2020-02-08. Review status: criteria provided, single submitter. Criteria: Ambry Variant Classification Scheme 2023. Collection method: clinical testing. Allele origin: germline.